The following is an entry in ClinVar:

ClinVar aggregate classification (germline): Uncertain significance. Review status: criteria provided, multiple submitters, no conflicts (2 of 4 stars). 2 submissions from 2 submitters: Uncertain significance (2). Last evaluated 2018-10-31.

Conditions:
Dystonia 24 (DYT24). Also called: DYT-ANO3. Identifiers: Orphanet 420485, MedGen C3554374, MONDO:0014019, OMIM 615034.
Dystonic disorder. Also called: Dystonia. Identifiers: MedGen C0013421, MONDO:0003441, HP:0001332.

Allele frequency attached by ClinVar (database versions not stated): gnomAD exomes 0.00001 and 0.00004; TOPMed 0.00002; gnomAD 0.00003.
gnomAD v4.1: 64 of 1,613,878 alleles (0.004%); highest among the groups gnomAD compares: Non-Finnish European, 0.0053%; no homozygotes.

Submissions (2):

Fulgent Genetics
Classification: Uncertain significance for Dystonia 24. Last evaluated: 2018-10-31. Review status: criteria provided, single submitter. Criteria: ACMG Guidelines, 2015. Collection method: clinical testing. Allele origin: unknown.

Labcorp Genetics (formerly Invitae), Labcorp
Classification: Uncertain significance for Dystonic disorder. Last evaluated: 2018-04-15. Review status: criteria provided, single submitter. Criteria: Invitae Variant Classification Sherloc (09022015). Collection method: clinical testing. Allele origin: germline.
Comment: This sequence change replaces glutamine with proline at codon 248 of the ANO3 protein (p.Gln248Pro). The glutamine residue is moderately conserved and there is a moderate physicochemical difference between glutamine and proline. This variant is not present in population databases (ExAC no frequency). This variant has not been reported in the literature in individuals with ANO3-related disease. Algorithms developed to predict the effect of missense changes on protein structure and function (SIFT, PolyPhen-2, Align-GVGD) all suggest that this variant is likely to be tolerated, but these predictions have not been confirmed by published functional studies and their clinical significance is uncertain. In summary, the available evidence is currently insufficient to determine the role of this variant in disease. Therefore, it has been classified as a Variant of Uncertain Significance.

NM_031418.4(ANO3):c.743A>C (p.Gln248Pro)

Gene: ANO3 (anoctamin 3; plus strand). Cytogenetic location: 11p14.2.
Variant type: single nucleotide variant.
Coding change: c.743A>C on transcript NM_031418.4 (MANE Select); coding-DNA position 743, A replaced by C.
Protein change: p.Gln248Pro; replaces glutamine 248 with proline.
Molecular consequence: missense variant.
Genome position (GRCh38, 1-based): chr11:26,531,210, A>C. VCF-style: chr11-26531210-A-C. GRCh37 (hg19) VCF-style: chr11-26552757-A-C.
Other names: c.926A>C, p.Gln309Pro (NM_001313726.2); c.305A>C, p.Gln102Pro (NM_001313727.2); short protein forms Q248P, Q309P, Q102P.
Identifiers: ClinVar variation 575627 (VCV000575627.9), dbSNP rs1381117686, ClinGen allele CA379929794.